The following is an entry in ClinVar:

NM_001039141.3(TRIOBP):c.5594A>G (p.Tyr1865Cys)

Genes: TRIOBP (TRIO and F-actin binding protein; plus strand), LOC126863145 (CDK7 strongly-dependent group 2 enhancer GRCh37_chr22:38150829-38152028; plus strand). Cytogenetic location: 22q13.1.
Variant type: single nucleotide variant.
Coding change: c.5594A>G on transcript NM_001039141.3 (MANE Select); coding-DNA position 5594, A replaced by G.
Protein change: p.Tyr1865Cys; replaces tyrosine 1865 with cysteine.
Molecular consequence: missense variant.
Genome position (GRCh38, 1-based): chr22:37,755,566, A>G. VCF-style: chr22-37755566-A-G. GRCh37 (hg19) VCF-style: chr22-38151573-A-G.
Other names: c.455A>G, p.Tyr152Cys (NM_007032.5, NM_138632.2); short protein forms Y152C, Y1865C.
Identifiers: ClinVar variation 3771960 (VCV003771960.13).

ClinVar aggregate classification (germline): Uncertain significance (1 of 4 stars; one submission).

gnomAD v4.1: 44 of 1,613,914 alleles (0.0027%); highest among the groups gnomAD compares: African/African-American, 0.004%; no homozygotes.

Submission:

CeGaT Center for Human Genetics Tuebingen
Classification: Uncertain significance. Last evaluated: 2024-12-01. Review status: criteria provided, single submitter. Criteria: CeGaT Center For Human Genetics Tuebingen Variant Classification Criteria Version 2. Collection method: clinical testing. Allele origin: germline. Affected: yes. Observed: 1 variant allele.
Comment: TRIOBP: PM2